The following is an entry in ClinVar:

ClinVar aggregate classification (germline): Benign. Review status: criteria provided, multiple submitters, no conflicts (2 of 4 stars). 2 submissions from 2 submitters: Benign (2). Last evaluated 2018-06-19.

Allele frequency attached by ClinVar (database versions not stated): gnomAD 0.25595 and 0.26675; TOPMed 0.25911; 1000 Genomes Project 30x 0.32121; gnomAD exomes 0.32363; 1000 Genomes Project 0.32947.

Submissions (2):

GeneDx
Classification: Benign. Last evaluated: 2018-06-19. Review status: criteria provided, single submitter. Criteria: GeneDx Variant Classification (06012015). Collection method: clinical testing. Allele origin: germline. Affected: yes.
Comment: This variant is considered likely benign or benign based on one or more of the following criteria: it is a conservative change, it occurs at a poorly conserved position in the protein, it is predicted to be benign by multiple in silico algorithms, and/or has population frequency not consistent with disease.

Breakthrough Genomics
Classification: Benign. Review status: criteria provided, single submitter. Criteria: ACMG Guidelines, 2015. Collection method: not provided. Allele origin: germline. Inheritance: Autosomal recessive inheritance. Affected: yes.

NM_006096.4(NDRG1):c.698+151A>G

Gene: NDRG1 (N-myc downstream regulated 1; minus strand). Cytogenetic location: 8q24.22.
Variant type: single nucleotide variant.
Coding change: c.698+151A>G on transcript NM_006096.4 (MANE Select); 151 bases into the intron after coding-DNA position 698, A replaced by G.
Molecular consequence: intron variant.
Genome position (GRCh38, 1-based): chr8:133,250,289, T>C on the plus strand (A>G on the coding strand, the complement: NDRG1 is on the minus strand). VCF-style: chr8-133250289-T-C. GRCh37 (hg19) VCF-style: chr8-134262532-T-C.
Other names: c.500+151A>G (NM_001258432.2, NM_001374847.1); c.455+151A>G (NM_001258433.2); c.749+151A>G (NM_001374844.1); c.698+151A>G (NM_001135242.2, NM_001374845.1, NM_001374846.1).
Identifiers: ClinVar variation 667644 (VCV000667644.2), dbSNP rs2272648, ClinGen allele CA12822136.